The following is an entry in ClinVar:

NM_000552.5(VWF):c.7083C>G (p.Ala2361=)

Gene: VWF (von Willebrand factor; minus strand). Cytogenetic location: 12p13.31.
Variant type: single nucleotide variant.
Coding change: c.7083C>G on transcript NM_000552.5 (MANE Select); coding-DNA position 7083, C replaced by G.
Protein change: p.Ala2361=; no amino-acid change (alanine 2361 retained).
Molecular consequence: synonymous variant.
Genome position (GRCh38, 1-based): chr12:5,981,990, G>C on the plus strand (C>G on the coding strand, the complement: VWF is on the minus strand). VCF-style: chr12-5981990-G-C. GRCh37 (hg19) VCF-style: chr12-6091156-G-C.
Identifiers: ClinVar variation 2682125 (VCV002682125.3), dbSNP rs557817663, ClinGen allele CA6401765.

ClinVar aggregate classification (germline): Likely benign. Review status: criteria provided, multiple submitters, no conflicts (2 of 4 stars). 3 submissions from 3 submitters: Likely benign (3). Last evaluated 2025-03-26.

Conditions:
VWF-related disorder. Also called: VWF-related disorders; VWF-related condition.

Allele frequency attached by ClinVar (database versions not stated): gnomAD exomes 0.00014; 1000 Genomes Project 30x 0.00016; 1000 Genomes Project 0.00020; ExAC 0.00038.
gnomAD v4.1: 242 of 1,613,468 alleles (0.015%); highest among the groups gnomAD compares: South Asian, 0.22%; 1 homozygote.

Submissions (3):

PreventionGenetics, part of Exact Sciences
Classification: Likely benign for VWF-related condition. Last evaluated: 2025-03-26. Review status: criteria provided, single submitter. Criteria: ACMG Guidelines, 2015. Collection method: clinical testing. Allele origin: germline.
Comment: This variant is classified as likely benign based on ACMG/AMP sequence variant interpretation guidelines (Richards et al. 2015 PMID: 25741868, with internal and published modifications).

Blueprint Genetics
Classification: Likely benign. Last evaluated: 2024-10-23. Review status: criteria provided, single submitter. Criteria: ACMG Guidelines, 2015. Collection method: clinical testing. Allele origin: germline.

Quest Diagnostics Nichols Institute San Juan Capistrano
Classification: Likely benign. Last evaluated: 2023-01-19. Review status: criteria provided, single submitter. Criteria: Quest Diagnostics criteria. Collection method: clinical testing. Allele origin: unknown.